The following is an entry in ClinVar:

NM_001458.5(FLNC):c.6685G>A (p.Glu2229Lys)

Genes: FLNC (filamin C; plus strand), FLNC-AS1 (FLNC antisense RNA 1; minus strand). Cytogenetic location: 7q32.1.
Variant type: single nucleotide variant.
Coding change: c.6685G>A on transcript NM_001458.5 (MANE Select); coding-DNA position 6685, G replaced by A.
Protein change: p.Glu2229Lys; replaces glutamic acid 2229 with lysine.
Molecular consequence: missense variant.
Genome position (GRCh38, 1-based): chr7:128,854,174, G>A. VCF-style: chr7-128854174-G-A. GRCh37 (hg19) VCF-style: chr7-128494228-G-A.
Other names: c.6586G>A, p.Glu2196Lys (NM_001127487.2); short protein forms E2196K, E2229K.
Identifiers: ClinVar variation 2016361 (VCV002016361.15), dbSNP rs2536664053, ClinGen allele CA369213140.
Genomic context (GRCh38, chr7:128,854,174, plus strand): 5'-GAGTCCACCCAGGTCGGCGGGGACCCCTTCCCTGCTGTGTTTGGGGACTTCCTGGGCCGG[G>A]AGCGCCTGGGATCCTTCGGCAGCATCACCCGGCAGCAGGAGGGTGAGCACCGCACACTGG-3'
Protein context (NP_001449.3, residues 2219-2239): PAVFGDFLGR[Glu2229Lys]RLGSFGSITR

ClinVar aggregate classification (germline): Uncertain significance. Review status: criteria provided, multiple submitters, no conflicts (2 of 4 stars). 3 submissions from 3 submitters: Uncertain significance (3). Last evaluated 2025-06-01.

Conditions:
Distal myopathy with posterior leg and anterior hand involvement. Also called: WILLIAMS DISTAL MYOPATHY. Identifiers: Orphanet 63273, MedGen C3279722, MONDO:0013550, OMIM 614065.
Myofibrillar myopathy 5. Also called: Filaminopathy (type); FILAMINOPATHY, AUTOSOMAL DOMINANT. Identifiers: Orphanet 171445, MedGen C1836050, MONDO:0012289, OMIM 609524.
Hypertrophic cardiomyopathy 26. Also called: Cardiomyopathy, familial hypertrophic, 26. Identifiers: Orphanet 75249, MedGen C4310749, MONDO:0014883, OMIM 617047.
Cardiovascular phenotype. Identifiers: MedGen CN230736.

Submissions (3):

CeGaT Center for Human Genetics Tuebingen
Classification: Uncertain significance. Last evaluated: 2025-06-01. Review status: criteria provided, single submitter. Criteria: CeGaT Center For Human Genetics Tuebingen Variant Classification Criteria Version 2. Collection method: clinical testing. Allele origin: germline. Affected: yes. Observed: 1 variant allele.
Comment: FLNC: PM2

Ambry Genetics
Classification: Uncertain significance for Cardiovascular phenotype. Last evaluated: 2025-02-20. Review status: criteria provided, single submitter. Criteria: Ambry Variant Classification Scheme 2023. Collection method: clinical testing. Allele origin: germline.
Comment: The p.E2229K variant (also known as c.6685G>A), located in coding exon 40 of the FLNC gene, results from a G to A substitution at nucleotide position 6685. The glutamic acid at codon 2229 is replaced by lysine, an amino acid with similar properties. This amino acid position is conserved. In addition, the in silico prediction for this alteration is inconclusive. Based on the available evidence, the clinical significance of this variant remains unclear.

Labcorp Genetics (formerly Invitae), Labcorp
Classification: Uncertain significance for Distal myopathy with posterior leg and anterior hand involvement; Myofibrillar myopathy 5; Hypertrophic cardiomyopathy 26. Last evaluated: 2022-07-19. Review status: criteria provided, single submitter. Criteria: Invitae Variant Classification Sherloc (09022015). Collection method: clinical testing. Allele origin: germline.
Comment: In summary, the available evidence is currently insufficient to determine the role of this variant in disease. Therefore, it has been classified as a Variant of Uncertain Significance. Algorithms developed to predict the effect of missense changes on protein structure and function are either unavailable or do not agree on the potential impact of this missense change (SIFT: "Deleterious"; PolyPhen-2: "Benign"; Align-GVGD: "Class C0"). This variant has not been reported in the literature in individuals affected with FLNC-related conditions. This variant is not present in population databases (gnomAD no frequency). This sequence change replaces glutamic acid, which is acidic and polar, with lysine, which is basic and polar, at codon 2229 of the FLNC protein (p.Glu2229Lys).